The following is an entry in ClinVar:

ClinVar aggregate classification (germline): Uncertain significance (1 of 4 stars; one submission).

Allele frequency attached by ClinVar (database versions not stated): gnomAD exomes below 0.00001.

Submission:

Labcorp Genetics (formerly Invitae), Labcorp
Classification: Uncertain significance. Last evaluated: 2023-08-01. Review status: criteria provided, single submitter. Criteria: Invitae Variant Classification Sherloc (09022015). Collection method: clinical testing. Allele origin: germline.
Comment: In summary, the available evidence is currently insufficient to determine the role of this variant in disease. Therefore, it has been classified as a Variant of Uncertain Significance. Advanced modeling of protein sequence and biophysical properties (such as structural, functional, and spatial information, amino acid conservation, physicochemical variation, residue mobility, and thermodynamic stability) performed at Invitae indicates that this missense variant is expected to disrupt TRAF3IP1 protein function. This variant has not been reported in the literature in individuals affected with TRAF3IP1-related conditions. This variant is not present in population databases (gnomAD no frequency). This sequence change replaces glutamine, which is neutral and polar, with arginine, which is basic and polar, at codon 619 of the TRAF3IP1 protein (p.Gln619Arg).

NM_015650.4(TRAF3IP1):c.1856A>G (p.Gln619Arg)

Gene: TRAF3IP1 (TRAF3 interacting protein 1; plus strand). Cytogenetic location: 2q37.3.
Variant type: single nucleotide variant.
Coding change: c.1856A>G on transcript NM_015650.4 (MANE Select); coding-DNA position 1856, A replaced by G.
Protein change: p.Gln619Arg; replaces glutamine 619 with arginine.
Molecular consequence: missense variant.
Genome position (GRCh38, 1-based): chr2:238,397,625, A>G. VCF-style: chr2-238397625-A-G. GRCh37 (hg19) VCF-style: chr2-239306266-A-G.
Other names: c.1658A>G, p.Gln553Arg (NM_001139490.1); short protein forms Q553R, Q619R.
Identifiers: ClinVar variation 2881492 (VCV002881492.3), dbSNP rs2106386702, ClinGen allele CA351246582.